The following is an entry in ClinVar:

NM_000051.4(ATM):c.3035G>T (p.Arg1012Met)

Gene: ATM (ATM serine/threonine kinase; plus strand). Cytogenetic location: 11q22.3.
Variant type: single nucleotide variant.
Coding change: c.3035G>T on transcript NM_000051.4 (MANE Select); coding-DNA position 3035, G replaced by T.
Protein change: p.Arg1012Met; replaces arginine 1012 with methionine.
Molecular consequence: missense variant.
Genome position (GRCh38, 1-based): chr11:108,271,364, G>T. VCF-style: chr11-108271364-G-T. GRCh37 (hg19) VCF-style: chr11-108142091-G-T.
Other names: c.3035G>T, p.Arg1012Met (NM_001351834.2); short protein forms R1012M.
Identifiers: ClinVar variation 1799084 (VCV001799084.2), dbSNP rs1565425752, ClinGen allele CA382547545.

ClinVar aggregate classification (germline): Uncertain significance (1 of 4 stars; one submission).

Conditions:
Hereditary cancer-predisposing syndrome. Also called: Neoplastic Syndromes, Hereditary; Tumor predisposition; Hereditary Cancer Syndrome; Hereditary neoplastic syndrome. Identifiers: Orphanet 140162, MedGen C0027672, MeSH D009386, MONDO:0015356.

Submission:

Ambry Genetics
Classification: Uncertain significance for Hereditary cancer-predisposing syndrome. Last evaluated: 2021-10-12. Review status: criteria provided, single submitter. Criteria: Ambry Variant Classification Scheme 2023. Collection method: clinical testing. Allele origin: germline.
Comment: The p.R1012M variant (also known as c.3035G>T), located in coding exon 19 of the ATM gene, results from a G to T substitution at nucleotide position 3035. The arginine at codon 1012 is replaced by methionine, an amino acid with similar properties. This amino acid position is well conserved in available vertebrate species. In addition, this alteration is predicted to be tolerated by in silico analysis. Since supporting evidence is limited at this time, the clinical significance of this alteration remains unclear.